The following is an entry in ClinVar:

ClinVar aggregate classification (germline): Uncertain significance (1 of 4 stars; one submission).

gnomAD v4.1: 4 of 1,613,574 alleles (0.00025%); highest among the groups gnomAD compares: Non-Finnish European, 0.00034%; no homozygotes.

Submission:

Women's Health and Genetics/Laboratory Corporation of America, LabCorp
Classification: Uncertain significance. Last evaluated: 2024-12-30. Review status: criteria provided, single submitter. Criteria: LabCorp Variant Classification Summary - May 2015. Collection method: clinical testing. Allele origin: germline.
Comment: Variant summary: VWF c.8254-5T>G alters a nucleotide located close to a canonical splice site and therefore could affect mRNA splicing, leading to a significantly altered protein sequence. Consensus agreement among computation tools predict no significant impact on normal splicing. A functional study confirmed that the variant does not significantly impact splicing (Borras_2019). The variant was absent in 249304 control chromosomes (gnomAD). c.8254-5T>G has been reported in the literature in individuals affected with Von Willebrand Disease (Borras_2017, Borras_2019). In contrast, in a second family with type 1 VWD, it was found together with a pathogenic variant in one affected individual, but did not segregate with disease in the rest of the family (Borras_2017). To our knowledge, no experimental evidence demonstrating an impact on protein function has been reported. The following publications have been ascertained in the context of this evaluation (PMID: 28971901, 30361419). These reports do not provide unequivocal conclusions about association of the variant with Von Willebrand Disease. ClinVar contains an entry for this variant (Variation ID: 3233658). Based on the evidence outlined above, the variant was classified as uncertain significance.

Literature cited by the submitters: PubMed 28971901; PubMed 30361419.

NM_000552.5(VWF):c.8254-5T>G

Gene: VWF (von Willebrand factor; minus strand). Cytogenetic location: 12p13.31.
Variant type: single nucleotide variant.
Coding change: c.8254-5T>G on transcript NM_000552.5 (MANE Select); 5 bases into the intron before coding-DNA position 8254, T replaced by G.
Molecular consequence: intron variant.
Genome position (GRCh38, 1-based): chr12:5,949,208, A>C on the plus strand (T>G on the coding strand, the complement: VWF is on the minus strand). VCF-style: chr12-5949208-A-C. GRCh37 (hg19) VCF-style: chr12-6058374-A-C.
Identifiers: ClinVar variation 3233658 (VCV003233658.3), dbSNP rs1943149767, ClinGen allele CA923726359.